The following is an entry in ClinVar:

ClinVar aggregate classification (germline): Uncertain significance. Review status: criteria provided, multiple submitters, no conflicts (2 of 4 stars). 5 submissions from 5 submitters: Uncertain significance (5). Last evaluated 2026-08-04.

Conditions:
Cardiomyopathy (CMYO). Also called: Cardiomyopathies. Identifiers: Orphanet 167848, MedGen C0878544, MONDO:0004994, HP:0001638. Inheritance: Various modes of inheritance.
Ventricular arrhythmias due to cardiac ryanodine receptor calcium release deficiency syndrome. Also called: Autosomal dominant cardiac arrhythmia (Kuhn). Identifiers: MedGen C5542154, MONDO:0020745, OMIM 115000.
Catecholaminergic polymorphic ventricular tachycardia 1. Also called: VENTRICULAR TACHYCARDIA, CATECHOLAMINERGIC POLYMORPHIC, 1, WITH OR WITHOUT ATRIAL DYSFUNCTION AND/OR DILATED CARDIOMYOPATHY; RYR2-Related Catecholaminergic Polymorphic Ventricular Tachycardia; VENTRICULAR TACHYCARDIA, STRESS-INDUCED POLYMORPHIC 1. Identifiers: Orphanet 3286, MedGen C1631597, MONDO:0011484, OMIM 604772.
Cardiovascular phenotype. Identifiers: MedGen CN230736.
Catecholaminergic polymorphic ventricular tachycardia (CVPT). Also called: Catecholamine-induced polymorphic ventricular tachycardia. Identifiers: Orphanet 3286, MedGen C5574922, MONDO:0017990.

Allele frequency attached by ClinVar (database versions not stated): gnomAD 0.00001 and 0.00002; ExAC 0.00002; gnomAD exomes 0.00001 and below 0.00001; TOPMed 0.00001; 1000 Genomes Project 0.00020; 1000 Genomes Project 30x 0.00016.
gnomAD v4.1: 15 of 1,613,494 alleles (0.00093%); highest among the groups gnomAD compares: Non-Finnish European, 0.0012%; no homozygotes.

Submissions (5):

Ambry Genetics
Classification: Uncertain significance for Cardiovascular phenotype. Last evaluated: 2026-08-04. Review status: criteria provided, single submitter. Criteria: Ambry Variant Classification Scheme 2023. Collection method: clinical testing. Allele origin: germline.
Comment: The p.I392V variant (also known as c.1174A>G), located in coding exon 14 of the RYR2 gene, results from an A to G substitution at nucleotide position 1174. The isoleucine at codon 392 is replaced by valine, an amino acid with highly similar properties. This amino acid position is highly conserved in available vertebrate species. In addition, this alteration is predicted to be tolerated by in silico analysis. Based on the available evidence, the clinical significance of this variant remains unclear.

Labcorp Genetics (formerly Invitae), Labcorp
Classification: Uncertain significance for Catecholaminergic polymorphic ventricular tachycardia 1. Last evaluated: 2025-05-28. Review status: criteria provided, single submitter. Criteria: Invitae Variant Classification Sherloc (09022015). Collection method: clinical testing. Allele origin: germline.
Comment: This sequence change replaces isoleucine, which is neutral and non-polar, with valine, which is neutral and non-polar, at codon 392 of the RYR2 protein (p.Ile392Val). This variant is present in population databases (rs574563209, gnomAD 0.003%). This variant has not been reported in the literature in individuals affected with RYR2-related conditions. ClinVar contains an entry for this variant (Variation ID: 925444). Invitae Evidence Modeling of protein sequence and biophysical properties (such as structural, functional, and spatial information, amino acid conservation, physicochemical variation, residue mobility, and thermodynamic stability) indicates that this missense variant is not expected to disrupt RYR2 protein function with a negative predictive value of 95%. In summary, the available evidence is currently insufficient to determine the role of this variant in disease. Therefore, it has been classified as a Variant of Uncertain Significance.

All of Us Research Program, National Institutes of Health
Classification: Uncertain significance for Catecholaminergic polymorphic ventricular tachycardia. Last evaluated: 2024-08-06. Review status: criteria provided, single submitter. Criteria: ACMG Guidelines, 2015. Collection method: clinical testing. Allele origin: germline. Inheritance: Autosomal dominant inheritance. Observed: 7 variant alleles, 7 heterozygotes.
Comment: This missense variant replaces isoleucine with valine at codon 392 of the RYR2 protein. Computational prediction tools and conservation analyses are inconclusive regarding the impact of this variant on protein structure and function. Splice site prediction tools suggest that this variant may not impact RNA splicing. To our knowledge, functional studies have not been performed for this variant. This variant has not been reported in individuals affected with cardiovascular disorders in the literature. This variant has been identified in 2/280390 chromosomes in the general population by the Genome Aggregation Database (gnomAD). The available evidence is insufficient to determine the role of this variant in disease conclusively. Therefore, this variant is classified as a Variant of Uncertain Significance.

This study involves interpretation of variants in research participants for the purpose of population health screening. Participant phenotype was not available at the time of variant classification. Additional details can be found in publication PMID: 35346344, PMCID: PMC8962531

Color Diagnostics, LLC DBA Color Health
Classification: Uncertain significance for Cardiomyopathy. Last evaluated: 2024-05-16. Review status: criteria provided, single submitter. Criteria: ACMG Guidelines, 2015. Collection method: clinical testing. Allele origin: germline.
Comment: This missense variant replaces isoleucine with valine at codon 392 of the RYR2 protein. Computational prediction suggests that this variant may not impact protein structure and function (internally defined REVEL score threshold <= 0.5, PMID: 27666373). To our knowledge, functional studies have not been reported for this variant. This variant has not been reported in individuals affected with RYR2-related disorders in the literature. This variant has been identified in 2/280390 chromosomes in the general population by the Genome Aggregation Database (gnomAD). The available evidence is insufficient to determine the role of this variant in disease conclusively. Therefore, this variant is classified as a Variant of Uncertain Significance.

Department of Pathology and Laboratory Medicine, Sinai Health System
Classification: Uncertain significance for Ventricular arrhythmias due to cardiac ryanodine receptor calcium release deficiency syndrome; Catecholaminergic polymorphic ventricular tachycardia 1. Last evaluated: 2020-08-22. Review status: criteria provided, single submitter. Criteria: ACMG Guidelines, 2015. Collection method: research. Allele origin: germline.

NM_001035.3(RYR2):c.1174A>G (p.Ile392Val)

Gene: RYR2 (ryanodine receptor 2; plus strand). Cytogenetic location: 1q43.
Variant type: single nucleotide variant.
Coding change: c.1174A>G on transcript NM_001035.3 (MANE Select); coding-DNA position 1174, A replaced by G.
Protein change: p.Ile392Val; replaces isoleucine 392 with valine.
Molecular consequence: missense variant.
Genome position (GRCh38, 1-based): chr1:237,445,404, A>G. VCF-style: chr1-237445404-A-G. GRCh37 (hg19) VCF-style: chr1-237608704-A-G.
Other names: short protein forms I392V.
Identifiers: ClinVar variation 925444 (VCV000925444.17), dbSNP rs574563209, ClinGen allele CA085043.